The following is an entry in ClinVar:

NM_001164508.2(NEB):c.7438T>C (p.Tyr2480His)

Gene: NEB (nebulin; minus strand). Cytogenetic location: 2q23.3.
Variant type: single nucleotide variant.
Coding change: c.7438T>C on transcript NM_001164508.2 (MANE Select); coding-DNA position 7438, T replaced by C.
Protein change: p.Tyr2480His; replaces tyrosine 2480 with histidine.
Molecular consequence: missense variant.
Genome position (GRCh38, 1-based): chr2:151,646,228, A>G on the plus strand (T>C on the coding strand, the complement: NEB is on the minus strand). VCF-style: chr2-151646228-A-G. GRCh37 (hg19) VCF-style: chr2-152502742-A-G.
Other names: c.7438T>C, p.Tyr2480His (NM_001164507.2, NM_001271208.2, NM_004543.5); short protein forms Y2480H.
Identifiers: ClinVar variation 2663491 (VCV002663491.2), dbSNP rs779975891, ClinGen allele CA1909844.

ClinVar aggregate classification (germline): Uncertain significance (1 of 4 stars; one submission).

Allele frequency attached by ClinVar (database versions not stated): gnomAD exomes below 0.00001; ExAC 0.00002.
gnomAD v4.1: 6 of 1,577,608 alleles (0.00038%); highest among the groups gnomAD compares: East Asian, 0.0023%; no homozygotes.

Submission:

GeneDx
Classification: Uncertain significance. Last evaluated: 2026-06-09. Review status: criteria provided, single submitter. Criteria: GeneDx Variant Classification Process June 2021. Collection method: clinical testing. Allele origin: germline.
Comment: Not observed at significant frequency in large population cohorts (gnomAD); In silico analysis suggests that this missense variant does not alter protein structure/function; Has not been previously published as pathogenic or benign to our knowledge